The following is an entry in ClinVar:

ClinVar aggregate classification (germline): Uncertain significance (1 of 4 stars; one submission).

Submission:

Labcorp Genetics (formerly Invitae), Labcorp
Classification: Uncertain significance. Last evaluated: 2024-10-29. Review status: criteria provided, single submitter. Criteria: Invitae Variant Classification Sherloc (09022015). Collection method: clinical testing. Allele origin: germline.
Comment: This sequence change replaces aspartic acid, which is acidic and polar, with histidine, which is basic and polar, at codon 2097 of the HMCN1 protein (p.Asp2097His). This variant is not present in population databases (gnomAD no frequency). This variant has not been reported in the literature in individuals affected with HMCN1-related conditions. An algorithm developed to predict the effect of missense changes on protein structure and function (PolyPhen-2) suggests that this variant is likely to be disruptive. In summary, the available evidence is currently insufficient to determine the role of this variant in disease. Therefore, it has been classified as a Variant of Uncertain Significance.

NM_031935.3(HMCN1):c.6289G>C (p.Asp2097His)

Gene: HMCN1 (hemicentin 1; plus strand). Cytogenetic location: 1q31.1.
Variant type: single nucleotide variant.
Coding change: c.6289G>C on transcript NM_031935.3 (MANE Select); coding-DNA position 6289, G replaced by C.
Protein change: p.Asp2097His; replaces aspartic acid 2097 with histidine.
Molecular consequence: missense variant.
Genome position (GRCh38, 1-based): chr1:186,041,121, G>C. VCF-style: chr1-186041121-G-C. GRCh37 (hg19) VCF-style: chr1-186010253-G-C.
Other names: short protein forms D2097H.
Identifiers: ClinVar variation 3718704 (VCV003718704.2).